The following is an entry in ClinVar:

ClinVar aggregate classification (germline): Uncertain significance (1 of 4 stars; one submission).

Conditions:
KBG syndrome (KBGS). Also called: ANKRD11-Related KBG Syndrome. Identifiers: Orphanet 2332, MedGen C0220687, MONDO:0007846, OMIM 148050.

Submission:

Juno Genomics, Hangzhou Juno Genomics, Inc
Classification: Uncertain significance for KBG syndrome. Review status: criteria provided, single submitter. Criteria: ACMG Guidelines, 2015. Collection method: clinical testing. Allele origin: germline.
Comment: Absent from controls (or at extremely low frequency if recessive) in Genome Aggregation Database.;Multiple lines of computational evidence support a deleterious effect on the gene or gene product.

NM_013275.6(ANKRD11):c.744+231G>C

Gene: ANKRD11 (ankyrin repeat domain 11; minus strand). Cytogenetic location: 16q24.3.
Variant type: single nucleotide variant.
Coding change: c.744+231G>C on transcript NM_013275.6 (MANE Select); 231 bases into the intron after coding-DNA position 744, G replaced by C.
Molecular consequence: intron variant.
Genome position (GRCh38, 1-based): chr16:89,288,297, C>G on the plus strand (G>C on the coding strand, the complement: ANKRD11 is on the minus strand). VCF-style: chr16-89288297-C-G. GRCh37 (hg19) VCF-style: chr16-89354705-C-G.
Other names: c.744+231G>C (NM_001256183.2, NM_001256182.2).
Identifiers: ClinVar variation 5019280 (VCV005019280.2).